The following is an entry in ClinVar:

ClinVar aggregate classification (germline): Pathogenic/Likely pathogenic. Review status: criteria provided, multiple submitters, no conflicts (2 of 4 stars). 6 submissions from 6 submitters: Pathogenic (4); Likely pathogenic (1). 1 of the submissions does not count toward it. Last evaluated 2025-04-09.

Conditions:
Neurofibromatosis, type 1 (NF1). Also called: Neurofibromatosis, type I; NEUROFIBROMATOSIS, TYPE I, SOMATIC; Peripheral type neurofibromatosis; VON RECKLINGHAUSEN DISEASE. Identifiers: Orphanet 636, MedGen C0027831, MONDO:0018975, OMIM 162200. Disease mechanism: loss of function.

Allele frequency attached by ClinVar (database versions not stated): gnomAD exomes below 0.00001.
gnomAD v4.1: 1 of 1,613,842 alleles (0.000062%); highest among the groups gnomAD compares: Non-Finnish European, 0.000085%; no homozygotes.

Submissions (6):

NHS Central & South Genomic Laboratory Hub
Classification: Pathogenic for Neurofibromatosis type 1. Last evaluated: 2025-04-09. Review status: criteria provided, single submitter. Criteria: ACMG Guidelines, 2015. Collection method: clinical testing. Allele origin: germline. Affected: yes.

Labcorp Genetics (formerly Invitae), Labcorp
Classification: Pathogenic for Neurofibromatosis, type 1. Last evaluated: 2022-03-16. Review status: criteria provided, single submitter. Criteria: Invitae Variant Classification Sherloc (09022015). Collection method: clinical testing. Allele origin: germline.
Comment: For these reasons, this variant has been classified as Pathogenic. Algorithms developed to predict the effect of sequence changes on RNA splicing suggest that this variant may disrupt the consensus splice site. This sequence change affects an acceptor splice site in intron 37 of the NF1 gene. It is expected to disrupt RNA splicing. Variants that disrupt the donor or acceptor splice site typically lead to a loss of protein function (PMID: 16199547), and loss-of-function variants in NF1 are known to be pathogenic (PMID: 10712197, 23913538). This variant is not present in population databases (gnomAD no frequency). Disruption of this splice site has been observed in individual(s) with neurofibromatosis type 1 (PMID: 26969325). ClinVar contains an entry for this variant (Variation ID: 431660).

Genome-Nilou Lab
Classification: Pathogenic for Neurofibromatosis, type 1. Last evaluated: 2022-03-15. Review status: criteria provided, single submitter. Criteria: ACMG Guidelines, 2015. Collection method: clinical testing. Allele origin: germline. Affected: no.

Genome Diagnostics Laboratory, The Hospital for Sick Children
Classification: Pathogenic for Neurofibromatosis, type 1. Last evaluated: 2020-10-26. Review status: criteria provided, single submitter. Criteria: ACMG Guidelines, 2015. Collection method: clinical testing. Allele origin: germline. Affected: yes.

Center for Human Genetics, Inc
Classification: Likely pathogenic for Neurofibromatosis, type 1. Last evaluated: 2016-11-01. Review status: criteria provided, single submitter. Criteria: ACMG Guidelines, 2015. Collection method: clinical testing. Allele origin: germline. Affected: yes.

Medical Genetics, University of Parma
Classification: Likely pathogenic for Neurofibromatosis type 1. Last evaluated: 2017-02-02. Review status: no assertion criteria provided. Collection method: clinical testing. Allele origin: germline. Affected: yes. Not counted in ClinVar's aggregate classification.

Literature cited by the submitters: PubMed 16199547 (cited by Labcorp Genetics (formerly Invitae), Labcorp); PubMed 10712197 (cited by Labcorp Genetics (formerly Invitae), Labcorp); PubMed 23913538 (cited by Labcorp Genetics (formerly Invitae), Labcorp); PubMed 26969325 (cited by Labcorp Genetics (formerly Invitae), Labcorp).

NM_001042492.3(NF1):c.5610-2A>T

Gene: NF1 (neurofibromin 1; plus strand). Cytogenetic location: 17q11.2.
Variant type: single nucleotide variant.
Coding change: c.5610-2A>T on transcript NM_001042492.3 (MANE Select); the canonical splice acceptor site of the intron before coding-DNA position 5610, A replaced by T.
Molecular consequence: splice acceptor variant.
Genome position (GRCh38, 1-based): chr17:31,330,294, A>T. VCF-style: chr17-31330294-A-T. GRCh37 (hg19) VCF-style: chr17-29657312-A-T.
Other names: c.5547-2A>T (NM_000267.4).
Identifiers: ClinVar variation 431660 (VCV000431660.11), dbSNP rs1135402876, ClinGen allele CA399010084.